The following is an entry in ClinVar:

ClinVar aggregate classification (germline): Pathogenic (1 of 4 stars; one submission).

Conditions:
Neurofibromatosis, type 1 (NF1). Also called: VON RECKLINGHAUSEN DISEASE; NEUROFIBROMATOSIS, TYPE I, SOMATIC; Peripheral type neurofibromatosis; Neurofibromatosis, type I. Identifiers: Orphanet 636, MedGen C0027831, MONDO:0018975, OMIM 162200. Disease mechanism: loss of function.

Submission:

Labcorp Genetics (formerly Invitae), Labcorp
Classification: Pathogenic for Neurofibromatosis, type 1. Last evaluated: 2018-10-21. Review status: criteria provided, single submitter. Criteria: Invitae Variant Classification Sherloc (09022015). Collection method: clinical testing. Allele origin: germline.
Comment: For these reasons, this variant has been classified as Pathogenic. Loss-of-function variants in NF1 are known to be pathogenic (PMID: 10712197, 23913538). This variant has not been reported in the literature in individuals with NF1-related disease. This variant is not present in population databases (ExAC no frequency). This sequence change creates a premature translational stop signal (p.Leu2421Phefs*6) in the NF1 gene. It is expected to result in an absent or disrupted protein product.

Literature cited by the submitters: PubMed 10712197; PubMed 23913538.

NM_001042492.3(NF1):c.7325dup (p.Leu2442fs)

Gene: NF1 (neurofibromin 1; plus strand). Cytogenetic location: 17q11.2.
Variant type: Duplication.
Coding change: c.7325dup on transcript NM_001042492.3 (MANE Select); coding-DNA position 7325, one base duplicated (T; older notation c.7325dupT).
Protein change: p.Leu2442fs; shifts the reading frame from leucine 2442.
Molecular consequence: frameshift variant.
Genome position (GRCh38, 1-based): chr17:31,350,186, T duplicated; the last of 3 consecutive T bases (chr17:31,350,184-31,350,186); duplicating any one gives the same sequence. VCF-style (leftmost placement, unchanged base first): chr17-31350183-C-CT. GRCh37 (hg19) VCF-style: chr17-29677201-C-CT.
Other names: c.7262dupT (NM_000267.3); c.7262dup, p.Leu2421Phefs (NM_000267.4); short protein forms L2421fs, L2442fs.
Identifiers: ClinVar variation 658066 (VCV000658066.5), dbSNP rs1597859558, ClinGen allele CA915949841.